The following is an entry in ClinVar:

NM_016507.4(CDK12):c.1345A>G (p.Arg449Gly)

Gene: CDK12 (cyclin dependent kinase 12; plus strand). Cytogenetic location: 17q12.
Variant type: single nucleotide variant.
Coding change: c.1345A>G on transcript NM_016507.4 (MANE Select); coding-DNA position 1345, A replaced by G.
Protein change: p.Arg449Gly; replaces arginine 449 with glycine.
Molecular consequence: missense variant.
Genome position (GRCh38, 1-based): chr17:39,471,177, A>G. VCF-style: chr17-39471177-A-G. GRCh37 (hg19) VCF-style: chr17-37627430-A-G.
Other names: c.1345A>G, p.Arg449Gly (NM_015083.4); short protein forms R449G.
Identifiers: ClinVar variation 4841709 (VCV004841709.1).
Genomic context (GRCh38, chr17:39,471,177, plus strand): 5'-AGAAAAGAGAACAGTTCAGTAGAGGCTAAGGATTCAGGTTTGGAGTCTAAAAAGTTACCC[A>G]GAAGTGTAAAATTGGAAAAATCTGCCCCAGATACTGAACTGGTGAATGTAACACATCTAA-3'
Protein context (NP_057591.2, residues 439-459): DSGLESKKLP[Arg449Gly]SVKLEKSAPD

ClinVar aggregate classification (germline): Uncertain significance (1 of 4 stars; one submission).

Submission:

Ambry Genetics
Classification: Uncertain significance. Last evaluated: 2026-01-14. Review status: criteria provided, single submitter. Criteria: Ambry Variant Classification Scheme 2023. Collection method: clinical testing. Allele origin: germline.
Comment: The p.R449G variant (also known as c.1345A>G), located in coding exon 2 of the CDK12 gene, results from an A to G substitution at nucleotide position 1345. The arginine at codon 449 is replaced by glycine, an amino acid with dissimilar properties. This amino acid position is conserved. In addition, this alteration is predicted to be tolerated by in silico analysis. Based on the available evidence, the clinical significance of this variant remains unclear.